The following is an entry in ClinVar:

NM_000240.4(MAOA):c.133C>T (p.Arg45Trp)

Gene: MAOA (monoamine oxidase A; plus strand). Cytogenetic location: Xp11.3.
Variant type: single nucleotide variant.
Coding change: c.133C>T on transcript NM_000240.4 (MANE Select); coding-DNA position 133, C replaced by T.
Protein change: p.Arg45Trp; replaces arginine 45 with tryptophan.
Molecular consequence: missense variant. On other transcripts: 5 prime UTR variant (1).
Genome position (GRCh38, 1-based): chrX:43,683,572, C>T. VCF-style: chrX-43683572-C-T. GRCh37 (hg19) VCF-style: chrX-43542820-C-T.
Other names: c.-267C>T (NM_001270458.2); short protein forms R45W.
Identifiers: ClinVar variation 208353 (VCV000208353.5), dbSNP rs796065312, ClinGen allele CA204424.

ClinVar aggregate classification (germline): Pathogenic/Likely pathogenic. Review status: criteria provided, multiple submitters, no conflicts (2 of 4 stars). 3 submissions from 3 submitters: Pathogenic (1); Likely pathogenic (1). 1 of the submissions does not count toward it. Last evaluated 2025-12-31.

Conditions:
Brunner syndrome (BRNRS). Identifiers: Orphanet 3057, MedGen C0796275, MONDO:0010379, OMIM 300615.

Allele frequency attached by ClinVar (database versions not stated): gnomAD exomes below 0.00001.
gnomAD v4.1: 1 of 1,208,817 alleles (0.000083%); highest among the groups gnomAD compares: Non-Finnish European, 0.00011%; no homozygotes.

Submissions (3):

GeneDx
Classification: Likely pathogenic. Last evaluated: 2025-12-31. Review status: criteria provided, single submitter. Criteria: GeneDx Variant Classification Process June 2021. Collection method: clinical testing. Allele origin: germline. Affected: yes.
Comment: Not observed at significant frequency in large population cohorts (gnomAD); In silico analysis supports that this missense variant has a deleterious effect on protein structure/function; This variant is associated with the following publications: (PMID: 11700166, 25807999)

Sydney Children's Hospital, SCHN
Classification: Pathogenic for Monoamine oxidase A deficiency. Last evaluated: 2014-11-10. Review status: criteria provided, single submitter. Criteria: submitter's publication. Collection method: clinical testing. Allele origin: maternal. Inheritance: X-linked inheritance. Affected: yes. Observed: 3 variant alleles.
Comment: Functional studies (bioamine levels in blood and urine) consistent with MAOA deficiency. Predicted Pathogenic PROVEAN, SIFT, Mutation Taster. Not listed Exac Database.

OMIM
Classification: Pathogenic for BRUNNER SYNDROME. Last evaluated: 2015-03-23. Review status: no assertion criteria provided. Collection method: literature only. Allele origin: germline. Not counted in ClinVar's aggregate classification.

Literature cited by the submitters: PubMed 25807999 (cited by OMIM); PubMed 11700166 (cited by OMIM).